The following is an entry in ClinVar:

ClinVar aggregate classification (germline): Uncertain significance (1 of 4 stars; one submission).

Submission:

Labcorp Genetics (formerly Invitae), Labcorp
Classification: Uncertain significance. Last evaluated: 2025-12-16. Review status: criteria provided, single submitter. Criteria: Invitae Variant Classification Sherloc (09022015). Collection method: clinical testing. Allele origin: germline.
Comment: This sequence change replaces threonine, which is neutral and polar, with serine, which is neutral and polar, at codon 90 of the RFWD3 protein (p.Thr90Ser). This variant is present in population databases (no rsID available, gnomAD 0.003%). This variant has not been reported in the literature in individuals affected with RFWD3-related conditions. ClinVar contains an entry for this variant (Variation ID: 2873742). An algorithm developed to predict the effect of missense changes on protein structure and function outputs the following: PolyPhen-2: "Benign". The serine amino acid residue is found in multiple mammalian species, which suggests that this missense change does not adversely affect protein function. In summary, the available evidence is currently insufficient to determine the role of this variant in disease. Therefore, it has been classified as a Variant of Uncertain Significance.

NM_018124.4(RFWD3):c.269C>G (p.Thr90Ser)

Gene: RFWD3 (ring finger and WD repeat domain 3; minus strand). Cytogenetic location: 16q23.1.
Variant type: single nucleotide variant.
Coding change: c.269C>G on transcript NM_018124.4 (MANE Select); coding-DNA position 269, C replaced by G.
Protein change: p.Thr90Ser; replaces threonine 90 with serine.
Molecular consequence: missense variant. On other transcripts: 5 prime UTR variant (4), intron variant (1).
Genome position (GRCh38, 1-based): chr16:74,661,181, G>C on the plus strand (C>G on the coding strand, the complement: RFWD3 is on the minus strand). VCF-style: chr16-74661181-G-C. GRCh37 (hg19) VCF-style: chr16-74695079-G-C.
Other names: c.269C>G, p.Thr90Ser (NM_001370534.1, NM_001370535.1, NM_001370536.1); c.-740C>G (NM_001370537.1); c.-363C>G (NM_001370539.1, NM_001370541.1); c.-617C>G (NM_001370542.1); c.-495C>G (NM_001370543.1); c.-317+3443C>G (NM_001370540.1); short protein forms T90S.
Identifiers: ClinVar variation 2873742 (VCV002873742.3), dbSNP rs8058922, ClinGen allele CA396764271.
Genomic context (GRCh38, chr16:74,661,181, plus strand): 5'-TGATTACCATCAGATCCCTGCCTATGTTGTTCTGAAGTTCTTGGATTGATGTTCTCCACA[G>C]TGTCTTCTCCCAAGACCTCCACTTCTGTCAGGTCAACAGACAGTTGCGGAGCAGGCTGGA-3'
Protein context (NP_060594.3, residues 80-100): LTEVEVLGED[Thr90Ser]VENINPRTSE